The following is an entry in ClinVar:

NM_006180.6(NTRK2):c.84C>T (p.Ala28=)

Gene: NTRK2 (neurotrophic receptor tyrosine kinase 2; plus strand). Cytogenetic location: 9q21.33.
Variant type: single nucleotide variant.
Coding change: c.84C>T on transcript NM_006180.6 (MANE Select); coding-DNA position 84, C replaced by T.
Protein change: p.Ala28=; no amino-acid change (alanine 28 retained).
Molecular consequence: synonymous variant.
Genome position (GRCh38, 1-based): chr9:84,670,832, C>T. VCF-style: chr9-84670832-C-T. GRCh37 (hg19) VCF-style: chr9-87285747-C-T.
Other names: c.84C>T (NM_006180.4); c.84C>T, p.Ala28= (NM_001007097.3, NM_001018064.3, NM_001018065.2 and 19 more transcripts).
Identifiers: ClinVar variation 1976628 (VCV001976628.6), dbSNP rs776677354, ClinGen allele CA465983697.

ClinVar aggregate classification (germline): Likely benign. Review status: criteria provided, multiple submitters, no conflicts (2 of 4 stars). 2 submissions from 2 submitters: Likely benign (2). Last evaluated 2025-04-29.

Conditions:
NTRK2-related disorder. Also called: NTRK2-related condition.

gnomAD v4.1: 7 of 1,614,104 alleles (0.00043%); highest among the groups gnomAD compares: Non-Finnish European, 0.00051%; no homozygotes.

Submissions (2):

PreventionGenetics, part of Exact Sciences
Classification: Likely benign for NTRK2-related condition. Last evaluated: 2025-04-29. Review status: criteria provided, single submitter. Criteria: ACMG Guidelines, 2015. Collection method: clinical testing. Allele origin: germline.
Comment: This variant is classified as likely benign based on ACMG/AMP sequence variant interpretation guidelines (Richards et al. 2015 PMID: 25741868, with internal and published modifications).

Labcorp Genetics (formerly Invitae), Labcorp
Classification: Likely benign. Last evaluated: 2025-03-24. Review status: criteria provided, single submitter. Criteria: Invitae Variant Classification Sherloc (09022015). Collection method: clinical testing. Allele origin: germline.